The following is an entry in ClinVar:

ClinVar aggregate classification (germline): Uncertain significance (1 of 4 stars; one submission).

Allele frequency attached by ClinVar (database versions not stated): gnomAD exomes below 0.00001 and 0.00001; TOPMed below 0.00001; ExAC 0.00001.

Submission:

Labcorp Genetics (formerly Invitae), Labcorp
Classification: Uncertain significance. Last evaluated: 2021-11-03. Review status: criteria provided, single submitter. Criteria: Invitae Variant Classification Sherloc (09022015). Collection method: clinical testing. Allele origin: germline.
Comment: In summary, the available evidence is currently insufficient to determine the role of this variant in disease. Therefore, it has been classified as a Variant of Uncertain Significance. Variants that disrupt the consensus splice site are a relatively common cause of aberrant splicing (PMID: 17576681, 9536098). Algorithms developed to predict the effect of sequence changes on RNA splicing suggest that this variant may disrupt the consensus splice site. Algorithms developed to predict the effect of missense changes on protein structure and function (SIFT, PolyPhen-2, Align-GVGD) all suggest that this variant is likely to be tolerated. This variant has not been reported in the literature in individuals affected with DTNBP1-related conditions. This variant is present in population databases (rs780445047, gnomAD 0.0009%). This sequence change replaces arginine, which is basic and polar, with lysine, which is basic and polar, at codon 163 of the DTNBP1 protein (p.Arg163Lys). This variant also falls at the last nucleotide of exon 6, which is part of the consensus splice site for this exon.

Literature cited by the submitters: PubMed 17576681; PubMed 9536098.

NM_032122.5(DTNBP1):c.488G>A (p.Arg163Lys)

Gene: DTNBP1 (dystrobrevin binding protein 1; minus strand). Cytogenetic location: 6p22.3.
Variant type: single nucleotide variant.
Coding change: c.488G>A on transcript NM_032122.5 (MANE Select); coding-DNA position 488, G replaced by A.
Protein change: p.Arg163Lys; replaces arginine 163 with lysine.
Molecular consequence: missense variant. On other transcripts: non-coding transcript variant (1).
Genome position (GRCh38, 1-based): chr6:15,615,267, C>T on the plus strand (G>A on the coding strand, the complement: DTNBP1 is on the minus strand). VCF-style: chr6-15615267-C-T. GRCh37 (hg19) VCF-style: chr6-15615498-C-T.
Other names: c.245G>A, p.Arg82Lys (NM_001271667.2); c.437G>A, p.Arg146Lys (NM_001271668.2); c.383G>A, p.Arg128Lys (NM_001271669.2); c.488G>A, p.Arg163Lys (NM_183040.2); short protein forms R146K, R128K, R163K, R82K.
Identifiers: ClinVar variation 1448464 (VCV001448464.6), dbSNP rs780445047, ClinGen allele CA3644123.